The following is an entry in ClinVar:

ClinVar aggregate classification (germline): Likely benign. Review status: criteria provided, multiple submitters, no conflicts (2 of 4 stars). 2 submissions from 2 submitters: Likely benign (2). Last evaluated 2026-03-01.

Allele frequency attached by ClinVar (database versions not stated): gnomAD 0.00006; ESP Exome Variant Server 0.00008; ExAC 0.00010.
gnomAD v4.1: 139 of 1,614,070 alleles (0.0086%); highest among the groups gnomAD compares: Non-Finnish European, 0.011%; no homozygotes.

Submissions (2):

CeGaT Center for Human Genetics Tuebingen
Classification: Likely benign. Last evaluated: 2026-03-01. Review status: criteria provided, single submitter. Criteria: CeGaT Center For Human Genetics Tuebingen Variant Classification Criteria Version 2. Collection method: clinical testing. Allele origin: germline. Affected: yes. Observed: 4 variant alleles.
Comment: HIVEP2: BP4

Labcorp Genetics (formerly Invitae), Labcorp
Classification: Likely benign. Last evaluated: 2025-12-30. Review status: criteria provided, single submitter. Criteria: Invitae Variant Classification Sherloc (09022015). Collection method: clinical testing. Allele origin: germline.

NM_006734.4(HIVEP2):c.2554C>T (p.Pro852Ser)

Gene: HIVEP2 (HIVEP zinc finger 2; minus strand). Cytogenetic location: 6q24.2.
Variant type: single nucleotide variant.
Coding change: c.2554C>T on transcript NM_006734.4 (MANE Select); coding-DNA position 2554, C replaced by T.
Protein change: p.Pro852Ser; replaces proline 852 with serine.
Molecular consequence: missense variant.
Genome position (GRCh38, 1-based): chr6:142,772,185, G>A on the plus strand (C>T on the coding strand, the complement: HIVEP2 is on the minus strand). VCF-style: chr6-142772185-G-A. GRCh37 (hg19) VCF-style: chr6-143093322-G-A.
Other names: short protein forms P852S.
Identifiers: ClinVar variation 1299051 (VCV001299051.39), dbSNP rs374943743, ClinGen allele CA4028394.